The following is an entry in ClinVar:

ClinVar aggregate classification (germline): Uncertain significance (1 of 4 stars; one submission).

Conditions:
Hyperprolinemia type 2 (HYRPRO2). Also called: Delta-1-pyrroline-5-carboxylate dehydrogenase deficiency; 1-PYRROLINE-5-CARBOXYLATE DEHYDROGENASE DEFICIENCY; Deficiency of pyrroline-5-carboxylate reductase. Identifiers: Orphanet 79101, MedGen C2931835, MONDO:0009401, OMIM 239510.

Allele frequency attached by ClinVar (database versions not stated): gnomAD 0.00001; TOPMed 0.00002.
gnomAD v4.1: 14 of 1,607,582 alleles (0.00087%); highest among the groups gnomAD compares: Middle Eastern, 0.066%; no homozygotes.

Submission:

Labcorp Genetics (formerly Invitae), Labcorp
Classification: Uncertain significance for Hyperprolinemia type 2. Last evaluated: 2022-09-19. Review status: criteria provided, single submitter. Criteria: Invitae Variant Classification Sherloc (09022015). Collection method: clinical testing. Allele origin: germline.
Comment: In summary, the available evidence is currently insufficient to determine the role of this variant in disease. Therefore, it has been classified as a Variant of Uncertain Significance. Variants that disrupt the consensus splice site are a relatively common cause of aberrant splicing (PMID: 17576681, 9536098). Algorithms developed to predict the effect of sequence changes on RNA splicing suggest that this variant is not likely to affect RNA splicing. ClinVar contains an entry for this variant (Variation ID: 1504898). This variant has not been reported in the literature in individuals affected with ALDH4A1-related conditions. The frequency data for this variant in the population databases is considered unreliable, as metrics indicate poor data quality at this position in the gnomAD database. This sequence change falls in intron 11 of the ALDH4A1 gene. It does not directly change the encoded amino acid sequence of the ALDH4A1 protein. It affects a nucleotide within the consensus splice site.

Literature cited by the submitters: PubMed 17576681; PubMed 9536098.

NM_003748.4(ALDH4A1):c.1185+4C>T

Gene: ALDH4A1 (aldehyde dehydrogenase 4 family member A1; minus strand). Cytogenetic location: 1p36.13.
Variant type: single nucleotide variant.
Coding change: c.1185+4C>T on transcript NM_003748.4 (MANE Select); 4 bases into the intron after coding-DNA position 1185, C replaced by T.
Molecular consequence: intron variant.
Genome position (GRCh38, 1-based): chr1:18,877,204, G>A on the plus strand (C>T on the coding strand, the complement: ALDH4A1 is on the minus strand). VCF-style: chr1-18877204-G-A. GRCh37 (hg19) VCF-style: chr1-19203698-G-A.
Other names: c.1185+4C>T (NM_001319218.2, NM_170726.3); c.1005+4C>T (NM_001161504.2).
Identifiers: ClinVar variation 1504898 (VCV001504898.4), dbSNP rs746106042, ClinGen allele CA521487156.